The following is an entry in ClinVar:

NM_000368.5(TSC1):c.1050T>C (p.Ser350=)

Gene: TSC1 (TSC complex subunit 1; minus strand). Cytogenetic location: 9q34.13.
Variant type: single nucleotide variant.
Coding change: c.1050T>C on transcript NM_000368.5 (MANE Select); coding-DNA position 1050, T replaced by C.
Protein change: p.Ser350=; no amino-acid change (serine 350 retained).
Molecular consequence: synonymous variant.
Genome position (GRCh38, 1-based): chr9:132,911,093, A>G on the plus strand (T>C on the coding strand, the complement: TSC1 is on the minus strand). VCF-style: chr9-132911093-A-G. GRCh37 (hg19) VCF-style: chr9-135786480-A-G.
Other names: c.1050T>C, p.Ser350= (NM_001162426.2); c.897T>C, p.Ser299= (NM_001162427.2); c.687T>C, p.Ser229= (NM_001362177.2).
Identifiers: ClinVar variation 466003 (VCV000466003.23), dbSNP rs150777389, ClinGen allele CA026883.
Genomic context (GRCh38, chr9:132,911,093, plus strand): 5'-TGACAGATCAGGTGGGACATTTCCAGGAGAAGTTGGAGGAGTGGTCATACCACAAACCAT[A>G]GATGGGCTCCAAAGAGTAGCCTGGGAAGTTAATAAAGTACATCAGCAGTGGCAAAGGAAT-3'
Protein context (NP_000359.1, residues 340-360): EPPQATLWSP[Ser350=]MVCGMTTPPT

ClinVar aggregate classification (germline): Benign/Likely benign. Review status: criteria provided, multiple submitters, no conflicts (2 of 4 stars). 8 submissions from 8 submitters: Benign (1); Likely benign (7). Last evaluated 2026-01-11.

Conditions:
Tuberous sclerosis 1 (TSC1). Identifiers: Orphanet 805, MedGen C1854465, MONDO:0008612, OMIM 191100.
Hereditary cancer-predisposing syndrome. Also called: Hereditary neoplastic syndrome; Neoplastic Syndromes, Hereditary; Tumor predisposition; Hereditary Cancer Syndrome. Identifiers: Orphanet 140162, MedGen C0027672, MeSH D009386, MONDO:0015356.
Tuberous sclerosis syndrome (TSC). Also called: Tuberous Sclerosis Complex; Tuberous sclerosis. Identifiers: Orphanet 805, MedGen C0041341, MONDO:0001734.

Allele frequency attached by ClinVar (database versions not stated): ExAC 0.00001; gnomAD 0.00001; gnomAD exomes 0.00001 and 0.00002; TOPMed 0.00001; ESP Exome Variant Server 0.00008.
gnomAD v4.1: 35 of 1,614,076 alleles (0.0022%); highest among the groups gnomAD compares: Non-Finnish European, 0.003%; no homozygotes.

Submissions (8):

Labcorp Genetics (formerly Invitae), Labcorp
Classification: Likely benign for Tuberous sclerosis 1. Last evaluated: 2026-01-11. Review status: criteria provided, single submitter. Criteria: Invitae Variant Classification Sherloc (09022015). Collection method: clinical testing. Allele origin: germline.

Myriad Genetics, Inc.
Classification: Benign for Tuberous sclerosis 1. Last evaluated: 2025-04-09. Review status: criteria provided, single submitter. Criteria: Myriad Autosomal Dominant, Autosomal Recessive and X-Linked Classification Criteria (2023). Collection method: clinical testing. Allele origin: unknown.
Comment: This variant is considered benign. This variant is a silent/synonymous amino acid change and it is not expected to impact splicing.

All of Us Research Program, National Institutes of Health
Classification: Likely benign for Tuberous sclerosis syndrome. Last evaluated: 2023-11-20. Review status: criteria provided, single submitter. Criteria: ACMG Guidelines, 2015. Collection method: clinical testing. Allele origin: germline. Inheritance: Autosomal dominant inheritance. Observed: 1 variant allele, 1 heterozygote.
Comment: This study involves interpretation of variants in research participants for the purpose of population health screening. Participant phenotype was not available at the time of variant classification. Additional details can be found in publication PMID: 35346344, PMCID: PMC8962531

Color Diagnostics, LLC DBA Color Health
Classification: Likely benign for Tuberous sclerosis syndrome. Last evaluated: 2022-05-27. Review status: criteria provided, single submitter. Criteria: ACMG Guidelines, 2015. Collection method: clinical testing. Allele origin: germline.

Genome-Nilou Lab
Classification: Likely benign for Tuberous sclerosis 1. Last evaluated: 2021-11-07. Review status: criteria provided, single submitter. Criteria: ACMG Guidelines, 2015. Collection method: clinical testing. Allele origin: germline. Affected: no.

Sema4
Classification: Likely benign for Hereditary cancer-predisposing syndrome. Last evaluated: 2020-11-10. Review status: criteria provided, single submitter. Criteria: Sema4 Curation Guidelines. Collection method: curation. Allele origin: germline.

Ambry Genetics
Classification: Likely benign for Hereditary cancer-predisposing syndrome. Last evaluated: 2020-08-17. Review status: criteria provided, single submitter. Criteria: Ambry Variant Classification Scheme 2023. Collection method: clinical testing. Allele origin: germline.

GeneDx
Classification: Likely benign. Last evaluated: 2019-06-20. Review status: criteria provided, single submitter. Criteria: GeneDx Variant Classification Process June 2021. Collection method: clinical testing. Allele origin: germline. Affected: yes.